The following is an entry in ClinVar:

ClinVar aggregate classification (germline): Uncertain significance (1 of 4 stars; one submission).

Conditions:
Cohen syndrome (COH1). Also called: PEPPER SYNDROME; Cutis verticis gyrata, retinitis pigmentosa, and sensorineural deafness. Identifiers: Orphanet 193, MedGen C0265223, MONDO:0008999, OMIM 216550.

Allele frequency attached by ClinVar (database versions not stated): gnomAD exomes below 0.00001 and 0.00001; ExAC 0.00001.
gnomAD v4.1: 1 of 1,613,614 alleles (0.000062%); highest among the groups gnomAD compares: Non-Finnish European, 0.000085%; no homozygotes.

Submission:

Labcorp Genetics (formerly Invitae), Labcorp
Classification: Uncertain significance for Cohen syndrome. Last evaluated: 2022-08-09. Review status: criteria provided, single submitter. Criteria: Invitae Variant Classification Sherloc (09022015). Collection method: clinical testing. Allele origin: germline.
Comment: This sequence change replaces serine, which is neutral and polar, with isoleucine, which is neutral and non-polar, at codon 1157 of the VPS13B protein (p.Ser1157Ile). This variant is present in population databases (rs748600714, gnomAD 0.002%). This variant has not been reported in the literature in individuals affected with VPS13B-related conditions. ClinVar contains an entry for this variant (Variation ID: 1439324). Algorithms developed to predict the effect of missense changes on protein structure and function are either unavailable or do not agree on the potential impact of this missense change (SIFT: "Not Available"; PolyPhen-2: "Benign"; Align-GVGD: "Not Available"). In summary, the available evidence is currently insufficient to determine the role of this variant in disease. Therefore, it has been classified as a Variant of Uncertain Significance.

NM_152564.5(VPS13B):c.3470G>T (p.Ser1157Ile)

Gene: VPS13B (vacuolar protein sorting 13 homolog B; plus strand). Cytogenetic location: 8q22.2.
Variant type: single nucleotide variant.
Coding change: c.3470G>T on transcript NM_152564.5 (MANE Select); coding-DNA position 3470, G replaced by T.
Protein change: p.Ser1157Ile; replaces serine 1157 with isoleucine.
Molecular consequence: missense variant.
Genome position (GRCh38, 1-based): chr8:99,467,438, G>T. VCF-style: chr8-99467438-G-T. GRCh37 (hg19) VCF-style: chr8-100479666-G-T.
Other names: c.3470G>T, p.Ser1157Ile (NM_017890.5); short protein forms S1157I.
Identifiers: ClinVar variation 1439324 (VCV001439324.5), dbSNP rs748600714, ClinGen allele CA4823259.